The following is an entry in ClinVar:

NM_020937.4(FANCM):c.2672A>G (p.Gln891Arg)

Gene: FANCM (FA complementation group M; plus strand). Cytogenetic location: 14q21.2.
Variant type: single nucleotide variant.
Coding change: c.2672A>G on transcript NM_020937.4 (MANE Select); coding-DNA position 2672, A replaced by G.
Protein change: p.Gln891Arg; replaces glutamine 891 with arginine.
Molecular consequence: missense variant.
Genome position (GRCh38, 1-based): chr14:45,175,426, A>G. VCF-style: chr14-45175426-A-G. GRCh37 (hg19) VCF-style: chr14-45644629-A-G.
Other names: c.2594A>G, p.Gln865Arg (NM_001308133.2); short protein forms Q865R, Q891R.
Identifiers: ClinVar variation 1010305 (VCV001010305.6), dbSNP rs753820999, ClinGen allele CA389598368.

ClinVar aggregate classification (germline): Uncertain significance (1 of 4 stars; one submission).

Conditions:
Fanconi anemia (FA). Also called: Fanconi's anemia. Identifiers: Orphanet 84, MedGen C0015625, MeSH D005199, MONDO:0019391.

Submission:

Labcorp Genetics (formerly Invitae), Labcorp
Classification: Uncertain significance for Fanconi anemia. Last evaluated: 2020-07-08. Review status: criteria provided, single submitter. Criteria: Invitae Variant Classification Sherloc (09022015). Collection method: clinical testing. Allele origin: germline.
Comment: This sequence change replaces glutamine with arginine at codon 891 of the FANCM protein (p.Gln891Arg). The glutamine residue is weakly conserved and there is a small physicochemical difference between glutamine and arginine. This variant is not present in population databases (ExAC no frequency). This variant has not been reported in the literature in individuals with FANCM-related conditions. Algorithms developed to predict the effect of missense changes on protein structure and function output the following: SIFT: "Tolerated"; PolyPhen-2: "Benign"; Align-GVGD: "Class C0". The arginine amino acid residue is found in multiple mammalian species, suggesting that this missense change does not adversely affect protein function. These predictions have not been confirmed by published functional studies and their clinical significance is uncertain. In summary, the available evidence is currently insufficient to determine the role of this variant in disease. Therefore, it has been classified as a Variant of Uncertain Significance.